The following is an entry in ClinVar:

ClinVar aggregate classification (germline): Conflicting classifications of pathogenicity. Review status: criteria provided, conflicting classifications (1 of 4 stars). 5 submissions from 5 submitters: Uncertain significance (2); Likely benign (3). Last evaluated 2025-03-26.

Allele frequency attached by ClinVar (database versions not stated): gnomAD exomes 0.00004 and 0.00012; ESP Exome Variant Server 0.00008; ExAC 0.00009; gnomAD 0.00009; TOPMed 0.00017.
gnomAD v4.1: 77 of 1,613,722 alleles (0.0048%); highest among the groups gnomAD compares: Middle Eastern, 0.2%; no homozygotes.

Submissions (5):

Labcorp Genetics (formerly Invitae), Labcorp
Classification: Likely benign. Last evaluated: 2025-03-26. Review status: criteria provided, single submitter. Criteria: Invitae Variant Classification Sherloc (09022015). Collection method: clinical testing. Allele origin: germline.

Blueprint Genetics
Classification: Likely benign. Last evaluated: 2024-11-15. Review status: criteria provided, single submitter. Criteria: ACMG Guidelines, 2015. Collection method: clinical testing. Allele origin: germline.

Mayo Clinic Laboratories, Mayo Clinic
Classification: Uncertain significance. Last evaluated: 2024-08-07. Review status: criteria provided, single submitter. Criteria: ACMG Guidelines, 2015. Collection method: clinical testing. Allele origin: germline. Observed: 1 variant allele.

Women's Health and Genetics/Laboratory Corporation of America, LabCorp
Classification: Uncertain significance. Last evaluated: 2024-04-19. Review status: criteria provided, single submitter. Criteria: LabCorp Variant Classification Summary - May 2015. Collection method: clinical testing. Allele origin: germline.
Comment: Variant summary: COL4A2 c.1748A>G (p.Asp583Gly) results in a non-conservative amino acid change in the encoded protein sequence. Four of five in-silico tools predict a damaging effect of the variant on protein function. The variant allele was found at a frequency of 0.00012 in 248648 control chromosomes.The available data on variant occurrences in the general population are insufficient to allow any conclusion about variant significance. To our knowledge, no occurrence of c.1748A>G in individuals affected with Porencephaly 2 and no experimental evidence demonstrating its impact on protein function have been reported. ClinVar contains an entry for this variant (Variation ID: 1132180). ClinVar contains an entry for this variant (Variation ID: 1132180). Based on the evidence outlined above, the variant was classified as VUS-possibly benign.

CeGaT Center for Human Genetics Tuebingen
Classification: Likely benign. Last evaluated: 2023-02-01. Review status: criteria provided, single submitter. Criteria: CeGaT Center For Human Genetics Tuebingen Variant Classification Criteria Version 2. Collection method: clinical testing. Allele origin: germline. Affected: yes. Observed: 1 variant allele.
Comment: COL4A2: BS1

NM_001846.4(COL4A2):c.1748A>G (p.Asp583Gly)

Genes: COL4A2 (collagen type IV alpha 2 chain; plus strand), COL4A2-AS2 (COL4A2 antisense RNA 2; minus strand). Cytogenetic location: 13q34.
Variant type: single nucleotide variant.
Coding change: c.1748A>G on transcript NM_001846.4 (MANE Select); coding-DNA position 1748, A replaced by G.
Protein change: p.Asp583Gly; replaces aspartic acid 583 with glycine.
Molecular consequence: missense variant.
Genome position (GRCh38, 1-based): chr13:110,462,356, A>G. VCF-style: chr13-110462356-A-G. GRCh37 (hg19) VCF-style: chr13-111114703-A-G.
Other names: p.Asp583Gly; short protein forms D583G.
Identifiers: ClinVar variation 1132180 (VCV001132180.34), dbSNP rs368207474, ClinGen allele CA7049696.
Genomic context (GRCh38, chr13:110,462,356, plus strand): 5'-GCGTCCCAGGTGTGCCCGGGATGAAAGGTGACGATGGCAGCCCAGGCCGCGATGGGCTCG[A>G]TGGATTCCCCGGCCTCCCAGGCCCTCCCGTGAGTAGCCACAAACTGCGGCAGCTCCGTCC-3'
Protein context (NP_001837.2, residues 573-593): DDGSPGRDGL[Asp583Gly]GFPGLPGPPG